The following is an entry in ClinVar:

ClinVar aggregate classification (germline): Uncertain significance. Review status: criteria provided, multiple submitters, no conflicts (2 of 4 stars). 6 submissions from 6 submitters: Uncertain significance (6). Last evaluated 2024-03-22.

Conditions:
Alternating hemiplegia of childhood 2 (AHC2). Also called: Alternating Hemiplegia of Childhood (AHC). Identifiers: Orphanet 2131, MedGen C3553788, MONDO:0013900, OMIM 614820.
Dystonia 12 (DYT12). Also called: DYT-ATP1A3; Rapid-Onset Dystonia-Parkinsonism (RDP). Identifiers: Orphanet 71517, MedGen C1868681, MONDO:0007496, OMIM 128235.
Inborn genetic diseases. Identifiers: MedGen C0950123, MeSH D030342.

Allele frequency attached by ClinVar (database versions not stated): ExAC 0.00001; gnomAD 0.00001; gnomAD exomes 0.00001; TOPMed 0.00002.
gnomAD v4.1: 15 of 1,614,016 alleles (0.00093%); highest among the groups gnomAD compares: South Asian, 0.0033%; no homozygotes.

Submissions (6):

Athena Diagnostics
Classification: Uncertain significance. Last evaluated: 2024-03-22. Review status: criteria provided, single submitter. Criteria: Athena Diagnostics Criteria. Collection method: clinical testing. Allele origin: unknown.

Ambry Genetics
Classification: Uncertain significance for Inborn genetic diseases. Last evaluated: 2022-06-27. Review status: criteria provided, single submitter. Criteria: Ambry Variant Classification Scheme 2023. Collection method: clinical testing. Allele origin: germline.

3billion
Classification: Uncertain significance for Alternating hemiplegia of childhood 2. Last evaluated: 2022-03-22. Review status: criteria provided, single submitter. Criteria: ACMG Guidelines, 2015. Collection method: clinical testing. Allele origin: germline. Affected: yes. Observed: 1 heterozygote.
Comment: Same nucleotide change resulting in same amino acid change has been previously reported to be associated with ATP1A3 related disorder (PMID:29915382). In silico tool predictions suggest damaging effect of the variant on gene or gene product(REVEL: 0.736>=0.6, 3CNET: 0.981>=0.75). A missense variant is a common mechanism . The variant is observed at an extremely low frequency in the gnomAD v2.1.1 dataset (total allele frequency: 0.0000080). Therefore, this variant is classified as uncertain significance according to the recommendation of ACMG/AMP guideline.

Labcorp Genetics (formerly Invitae), Labcorp
Classification: Uncertain significance for Dystonia 12. Last evaluated: 2020-01-06. Review status: criteria provided, single submitter. Criteria: Invitae Variant Classification Sherloc (09022015). Collection method: clinical testing. Allele origin: germline.
Comment: In summary, the available evidence is currently insufficient to determine the role of this variant in disease. Therefore, it has been classified as a Variant of Uncertain Significance. Algorithms developed to predict the effect of missense changes on protein structure and function are either unavailable or do not agree on the potential impact of this missense change (SIFT: "Deleterious"; PolyPhen-2: "Possibly Damaging"; Align-GVGD: "Class C0"). This variant has been observed in one or more individuals who were not affected with ATP1A3-related disease (Invitae). ClinVar contains an entry for this variant (Variation ID: 210382). This variant is present in population databases (rs782423325, ExAC 0.006%). This sequence change replaces arginine with tryptophan at codon 343 of the ATP1A3 protein (p.Arg343Trp). The arginine residue is moderately conserved and there is a moderate physicochemical difference between arginine and tryptophan.

GeneDx
Classification: Uncertain significance. Last evaluated: 2019-04-02. Review status: criteria provided, single submitter. Criteria: GeneDx Variant Classification Process June 2021. Collection method: clinical testing. Allele origin: germline. Affected: yes.
Comment: Not observed at a significant frequency in large population cohorts (Lek et al., 2016); Has not been previously published as pathogenic or benign to our knowledge; This variant is associated with the following publications: (PMID: 29915382)

Genetic Services Laboratory, University of Chicago
Classification: Uncertain significance. Last evaluated: 2015-07-31. Review status: criteria provided, single submitter. Criteria: ACMG Guidelines, 2015. Collection method: clinical testing. Allele origin: germline.

Literature cited by the submitters: PubMed 29915382 (cited by Athena Diagnostics and 3billion).

NM_152296.5(ATP1A3):c.1027C>T (p.Arg343Trp)

Gene: ATP1A3 (ATPase Na+/K+ transporting subunit alpha 3; minus strand). Cytogenetic location: 19q13.2.
Variant type: single nucleotide variant.
Coding change: c.1027C>T on transcript NM_152296.5 (MANE Select); coding-DNA position 1027, C replaced by T.
Protein change: p.Arg343Trp; replaces arginine 343 with tryptophan.
Molecular consequence: missense variant.
Genome position (GRCh38, 1-based): chr19:41,982,073, G>A on the plus strand (C>T on the coding strand, the complement: ATP1A3 is on the minus strand). VCF-style: chr19-41982073-G-A. GRCh37 (hg19) VCF-style: chr19-42486225-G-A.
Other names: c.1060C>T, p.Arg354Trp (NM_001256213.2); c.1066C>T, p.Arg356Trp (NM_001256214.2); short protein forms R343W, R354W, R356W.
Identifiers: ClinVar variation 210382 (VCV000210382.20), dbSNP rs782423325, ClinGen allele CA209965.
Genomic context (GRCh38, chr19:41,982,073, plus strand): 5'-TGGTGGACGTGGAGCCCAGGGTTTCTACAGCCTCCAGGTTCTTCACCAGGCAGTTCTTCC[G>A]GGCCATGCGCTTGGCGGTCAGCGTCAGACACACCTGGAGGACGAGCAAGGGCAGGCAAGT-3'
Protein context (NP_689509.1, residues 333-353): CLTLTAKRMA[Arg343Trp]KNCLVKNLEA